The following is an entry in ClinVar:

ClinVar aggregate classification (germline): Likely benign. Review status: criteria provided, multiple submitters, no conflicts (2 of 4 stars). 3 submissions from 3 submitters: Likely benign (3). Last evaluated 2024-06-23.

Conditions:
RYR1-related disorder. Also called: RYR1-related disorders; RYR1-related condition. Identifiers: MedGen CN239331.
Malignant hyperthermia, susceptibility to, 1 (MHS1). Also called: Malignant hyperthermia suceptibility 1; Anesthesia related hyperthermia; Malignant hyperpyrexia; Fulminating hyperpyrexia; Pharmacogenic myopathy; RYR1-Related Malignant Hyperthermia Susceptibility. Identifiers: Orphanet 423, MedGen C2930980, MONDO:0007783, OMIM 145600.

Allele frequency attached by ClinVar (database versions not stated): gnomAD exomes 0.00003; ExAC 0.00004.
gnomAD v4.1: 44 of 1,566,906 alleles (0.0028%); highest among the groups gnomAD compares: Non-Finnish European, 0.0037%; no homozygotes.

Submissions (3):

Labcorp Genetics (formerly Invitae), Labcorp
Classification: Likely benign for RYR1-related disorder. Last evaluated: 2024-06-23. Review status: criteria provided, single submitter. Criteria: Invitae Variant Classification Sherloc (09022015). Collection method: clinical testing. Allele origin: germline.

All of Us Research Program, National Institutes of Health
Classification: Likely benign for Malignant hyperthermia, susceptibility to, 1. Last evaluated: 2023-10-02. Review status: criteria provided, single submitter. Criteria: ACMG Guidelines, 2015. Collection method: clinical testing. Allele origin: germline. Inheritance: Autosomal dominant inheritance. Observed: 2 variant alleles, 2 heterozygotes.
Comment: This study involves interpretation of variants in research participants for the purpose of population health screening. Participant phenotype was not available at the time of variant classification. Additional details can be found in publication PMID: 35346344, PMCID: PMC8962531

Blueprint Genetics
Classification: Likely benign. Last evaluated: 2022-10-10. Review status: criteria provided, single submitter. Criteria: ACMG Guidelines, 2015. Collection method: clinical testing. Allele origin: germline.

NM_000540.3(RYR1):c.4011A>G (p.Ser1337=)

Gene: RYR1 (ryanodine receptor 1; plus strand). Cytogenetic location: 19q13.2.
Variant type: single nucleotide variant.
Coding change: c.4011A>G on transcript NM_000540.3 (MANE Select); coding-DNA position 4011, A replaced by G.
Protein change: p.Ser1337=; no amino-acid change (serine 1337 retained).
Molecular consequence: synonymous variant.
Genome position (GRCh38, 1-based): chr19:38,473,622, A>G. VCF-style: chr19-38473622-A-G. GRCh37 (hg19) VCF-style: chr19-38964262-A-G.
Other names: c.4011A>G, p.Ser1337= (NM_001042723.2).
Identifiers: ClinVar variation 3072416 (VCV003072416.4), dbSNP rs754476108, ClinGen allele CA065490.